The following is an entry in ClinVar:

NM_001010892.3(RSPH4A):c.259C>T (p.Pro87Ser)

Gene: RSPH4A (radial spoke head component 4A; plus strand). Cytogenetic location: 6q22.1.
Variant type: single nucleotide variant.
Coding change: c.259C>T on transcript NM_001010892.3 (MANE Select); coding-DNA position 259, C replaced by T.
Protein change: p.Pro87Ser; replaces proline 87 with serine.
Molecular consequence: missense variant.
Genome position (GRCh38, 1-based): chr6:116,616,882, C>T. VCF-style: chr6-116616882-C-T. GRCh37 (hg19) VCF-style: chr6-116938045-C-T.
Other names: c.259C>T, p.Pro87Ser (NM_001161664.2); short protein forms P87S.
Identifiers: ClinVar variation 238209 (VCV000238209.10), dbSNP rs767490154, ClinGen allele CA3970729.
Genomic context (GRCh38, chr6:116,616,882, plus strand): 5'-GCCAAGACGCCTCTGGGTGGCCCCGCGGGACCAGAAACATCATCACCTGCTCCTGTCTCT[C>T]CGCGGGAGCCCTCTTCCTCTCCTTCTCCCCTGGCTCCGGCCAGACAAGACCTCGCGGCAC-3'
Protein context (NP_001010892.1, residues 77-97): PETSSPAPVS[Pro87Ser]REPSSSPSPL

ClinVar aggregate classification (germline): Uncertain significance. Review status: criteria provided, multiple submitters, no conflicts (2 of 4 stars). 2 submissions from 2 submitters: Uncertain significance (2). Last evaluated 2025-08-15.

Conditions:
Primary ciliary dyskinesia. Also called: Ciliary dyskinesia. Identifiers: Orphanet 244, MedGen C0008780, MONDO:0016575, HP:0012265.

Allele frequency attached by ClinVar (database versions not stated): gnomAD exomes 0.00001 and 0.00002; ExAC 0.00002.

Submissions (2):

Department of Genetics, Sultan Qaboos University Hospital
Classification: Uncertain significance for Primary ciliary dyskinesia. Last evaluated: 2025-08-15. Review status: criteria provided, single submitter. Criteria: ACMG Guidelines, 2015. Collection method: research. Allele origin: germline. Affected: yes.

Labcorp Genetics (formerly Invitae), Labcorp
Classification: Uncertain significance for Primary ciliary dyskinesia. Last evaluated: 2019-11-19. Review status: criteria provided, single submitter. Criteria: Invitae Variant Classification Sherloc (09022015). Collection method: clinical testing. Allele origin: germline.
Comment: This sequence change replaces proline with serine at codon 87 of the RSPH4A protein (p.Pro87Ser). The proline residue is moderately conserved and there is a moderate physicochemical difference between proline and serine. This variant is present in population databases (rs767490154, ExAC 0.01%). This variant has been reported as homozygous in individuals affected with primary ciliary dyskinesia (PMID: 19200523). However, in all cases, it has been reported to co-occur with a pathogenic variant in RSPH4A, c.460C>T (p.Gln154*), which suggests that this c.259C>T variant was not the primary cause of disease. Algorithms developed to predict the effect of missense changes on protein structure and function output the following: SIFT: "Tolerated"; PolyPhen-2: "Benign"; Align-GVGD: "Class C0". The serine amino acid residue is found in multiple mammalian species, suggesting that this missense change does not adversely affect protein function. These predictions have not been confirmed by published functional studies and their clinical significance is uncertain. In summary, the available evidence is currently insufficient to determine the role of this variant in disease. Therefore, it has been classified as a Variant of Uncertain Significance.

Literature cited by the submitters: PubMed 19200523 (cited by Labcorp Genetics (formerly Invitae), Labcorp).